The following is an entry in ClinVar:

NM_000443.4(ABCB4):c.3634-6C>G

Gene: ABCB4 (ATP binding cassette subfamily B member 4; minus strand). Cytogenetic location: 7q21.12.
Variant type: single nucleotide variant.
Coding change: c.3634-6C>G on transcript NM_000443.4 (MANE Select); 6 bases into the intron before coding-DNA position 3634, C replaced by G.
Molecular consequence: intron variant.
Genome position (GRCh38, 1-based): chr7:87,402,308, G>C on the plus strand (C>G on the coding strand, the complement: ABCB4 is on the minus strand). VCF-style: chr7-87402308-G-C. GRCh37 (hg19) VCF-style: chr7-87031624-G-C.
Other names: c.3493-6C>G (NM_018850.3); c.3655-6C>G (NM_018849.3).
Identifiers: ClinVar variation 4846373 (VCV004846373.1).

ClinVar aggregate classification (germline): Uncertain significance (1 of 4 stars; one submission).

Conditions:
Familial intrahepatic cholestasis. Identifiers: Orphanet 284385, MedGen CN296401, MONDO:0017290.

Submission:

Genomenon, Inc
Classification: Uncertain significance for Familial intrahepatic cholestasis. Last evaluated: 2026-04-14. Review status: criteria provided, single submitter. Criteria: Genomenon Sequence Variant Interpretation Standards - Updated. Collection method: curation. Allele origin: germline. Affected: yes.
Comment: ABCB4 c.3634-6C>G is an intronic variant located in the acceptor splice region of intron 27. This variant has been observed in at least one proband with an ABCB4-related disorder (PMID:35626323). A de novo occurrence of this variant has been observed in at least one affected individual (PMID:35626323). It is absent or not present at a significant frequency in gnomAD. In conclusion, we classify ABCB4 c.3634-6C>G as a variant of uncertain significance.

Literature cited by the submitters: PubMed 35626323.